The following is an entry in ClinVar:

NM_182710.3(KAT5):c.524_534del (p.Pro175fs)

Gene: KAT5 (lysine acetyltransferase 5; plus strand). Cytogenetic location: 11q13.1.
Variant type: Deletion.
Coding change: c.524_534del on transcript NM_182710.3 (MANE Select); coding-DNA positions 524 to 534, 11 bases deleted (CCAACCACCGC).
Protein change: p.Pro175fs; shifts the reading frame from proline 175.
Molecular consequence: frameshift variant. On other transcripts: intron variant (2).
Genome position (GRCh38, 1-based): chr11:65,713,487-65,713,497, CCAACCACCGC deleted; deleting any 11 consecutive bases within chr11:65,713,485-65,713,497 gives the same sequence; the c. name uses the placement nearest the transcript's 3' end. VCF-style (leftmost placement, unchanged base first): chr11-65713484-AGCCCAACCACC-A. GRCh37 (hg19) VCF-style: chr11-65480955-AGCCCAACCACC-A.
Other names: c.425_435del, p.Pro142fs (NM_006388.4); c.385-106_385-96del (NM_001206833.2); c.286-106_286-96del (NM_182709.3); short protein forms P142fs, P175fs.
Identifiers: ClinVar variation 1708123 (VCV001708123.1), dbSNP rs2495265578, ClinGen allele CA2580084472.

ClinVar aggregate classification (germline): Uncertain significance (1 of 4 stars; one submission).

Conditions:
Neurodevelopmental disorder with dysmorphic facies, sleep disturbance, and brain abnormalities. Identifiers: MedGen C5436821, MONDO:0030852, OMIM 619103.

Submission:

Laboratory of Medical Genetics, National & Kapodistrian University of Athens
Classification: Uncertain significance for Neurodevelopmental disorder with dysmorphic facies, sleep disturbance, and brain abnormalities. Last evaluated: 2022-09-20. Review status: criteria provided, single submitter. Criteria: ACMG Guidelines, 2015. Collection method: clinical testing. Allele origin: maternal. Affected: yes.
Comment: PVS1_moderate, PM2